The following is an entry in ClinVar:

NM_001734.5(C1S):c.721G>T (p.Val241Phe)

Gene: C1S (complement C1s; plus strand). Cytogenetic location: 12p13.31.
Variant type: single nucleotide variant.
Coding change: c.721G>T on transcript NM_001734.5 (MANE Select); coding-DNA position 721, G replaced by T.
Protein change: p.Val241Phe; replaces valine 241 with phenylalanine.
Molecular consequence: missense variant.
Genome position (GRCh38, 1-based): chr12:7,065,820, G>T. VCF-style: chr12-7065820-G-T. GRCh37 (hg19) VCF-style: chr12-7173124-G-T.
Other names: c.220G>T, p.Val74Phe (NM_001346850.2); c.721G>T, p.Val241Phe (NM_201442.4); short protein forms V74F, V241F.
Identifiers: ClinVar variation 1491359 (VCV001491359.7), dbSNP rs781797472, ClinGen allele CA6423569.

ClinVar aggregate classification (germline): Uncertain significance. Review status: criteria provided, multiple submitters, no conflicts (2 of 4 stars). 2 submissions from 2 submitters: Uncertain significance (2). Last evaluated 2025-08-24.

Allele frequency attached by ClinVar (database versions not stated): ExAC 0.00001; TOPMed 0.00001; gnomAD exomes 0.00002.

Submissions (2):

Labcorp Genetics (formerly Invitae), Labcorp
Classification: Uncertain significance. Last evaluated: 2025-08-24. Review status: criteria provided, single submitter. Criteria: Invitae Variant Classification Sherloc (09022015). Collection method: clinical testing. Allele origin: germline.
Comment: This sequence change replaces valine, which is neutral and non-polar, with phenylalanine, which is neutral and non-polar, at codon 241 of the C1S protein (p.Val241Phe). This variant is present in population databases (rs781797472, gnomAD 0.004%). This variant has not been reported in the literature in individuals affected with C1S-related conditions. ClinVar contains an entry for this variant (Variation ID: 1491359). Invitae Evidence Modeling of protein sequence and biophysical properties (such as structural, functional, and spatial information, amino acid conservation, physicochemical variation, residue mobility, and thermodynamic stability) indicates that this missense variant is not expected to disrupt C1S protein function with a negative predictive value of 80%. In summary, the available evidence is currently insufficient to determine the role of this variant in disease. Therefore, it has been classified as a Variant of Uncertain Significance.

Blueprint Genetics
Classification: Uncertain significance. Last evaluated: 2020-12-29. Review status: criteria provided, single submitter. Criteria: ACMG Guidelines, 2015. Collection method: clinical testing. Allele origin: germline.